The following is an entry in ClinVar:

ClinVar aggregate classification (germline): Uncertain significance. Review status: criteria provided, multiple submitters, no conflicts (2 of 4 stars). 2 submissions from 2 submitters: Uncertain significance (2). Last evaluated 2025-01-06.

Conditions:
Cardiovascular phenotype. Identifiers: MedGen CN230736.

Allele frequency attached by ClinVar (database versions not stated): ExAC 0.00002; gnomAD 0.00001; gnomAD exomes 0.00002; TOPMed 0.00002.

Submissions (2):

Revvity Omics, Revvity
Classification: Uncertain significance. Last evaluated: 2025-01-06. Review status: criteria provided, single submitter. Criteria: ACMG Guidelines, 2015. Collection method: clinical testing. Allele origin: germline.

Ambry Genetics
Classification: Uncertain significance for Cardiovascular phenotype. Last evaluated: 2020-04-08. Review status: criteria provided, single submitter. Criteria: Ambry Variant Classification Scheme 2023. Collection method: clinical testing. Allele origin: germline.
Comment: The p.R7034W variant (also known as c.21100C>T), located in coding exon 84 of the TTN gene, results from a C to T substitution at nucleotide position 21100. The arginine at codon 7034 is replaced by tryptophan, an amino acid with dissimilar properties. This amino acid position is highly conserved in available vertebrate species. In addition, this alteration is predicted to be tolerated by in silico analysis. Since supporting evidence is limited at this time, the clinical significance of this alteration remains unclear.

NM_001267550.2(TTN):c.48295C>T (p.Arg16099Trp)

Genes: TTN (titin; minus strand), TTN-AS1 (TTN antisense RNA 1; plus strand). Cytogenetic location: 2q31.2.
Variant type: single nucleotide variant.
Coding change: c.48295C>T on transcript NM_001267550.2 (MANE Select); coding-DNA position 48295, C replaced by T.
Protein change: p.Arg16099Trp; replaces arginine 16099 with tryptophan.
Molecular consequence: missense variant.
Genome position (GRCh38, 1-based): chr2:178,616,496, G>A on the plus strand (C>T on the coding strand, the complement: TTN is on the minus strand). VCF-style: chr2-178616496-G-A. GRCh37 (hg19) VCF-style: chr2-179481223-G-A.
Other names: c.43372C>T, p.Arg14458Trp (NM_001256850.1); c.21100C>T, p.Arg7034Trp (NM_003319.4); c.40591C>T, p.Arg13531Trp (NM_133378.4); c.21475C>T, p.Arg7159Trp (NM_133432.3); c.21676C>T, p.Arg7226Trp (NM_133437.4); short protein forms R13531W, R14458W, R16099W, R7226W, R7034W, R7159W.
Identifiers: ClinVar variation 1786098 (VCV001786098.3), dbSNP rs765526529, ClinGen allele CA1994875.